The following is an entry in ClinVar:

NM_001080442.3(SLC38A8):c.438C>T (p.Tyr146=)

Gene: SLC38A8 (solute carrier family 38 member 8; minus strand). Cytogenetic location: 16q23.3.
Variant type: single nucleotide variant.
Coding change: c.438C>T on transcript NM_001080442.3 (MANE Select); coding-DNA position 438, C replaced by T.
Protein change: p.Tyr146=; no amino-acid change (tyrosine 146 retained).
Molecular consequence: synonymous variant.
Genome position (GRCh38, 1-based): chr16:84,033,420, G>A on the plus strand (C>T on the coding strand, the complement: SLC38A8 is on the minus strand). VCF-style: chr16-84033420-G-A. GRCh37 (hg19) VCF-style: chr16-84067025-G-A.
Identifiers: ClinVar variation 1897864 (VCV001897864.29), dbSNP rs199795586, ClinGen allele CA8200287.

ClinVar aggregate classification (germline): Likely benign. Review status: criteria provided, multiple submitters, no conflicts (2 of 4 stars). 2 submissions from 2 submitters: Likely benign (2). Last evaluated 2024-02-09.

Allele frequency attached by ClinVar (database versions not stated): TOPMed 0.00002; gnomAD 0.00003; ExAC 0.00004; gnomAD exomes 0.00004; ESP Exome Variant Server 0.00008; 1000 Genomes Project 30x 0.00016; 1000 Genomes Project 0.00020.
gnomAD v4.1: 62 of 1,613,026 alleles (0.0038%); highest among the groups gnomAD compares: East Asian, 0.047%; no homozygotes.

Submissions (2):

Labcorp Genetics (formerly Invitae), Labcorp
Classification: Likely benign. Last evaluated: 2024-02-09. Review status: criteria provided, single submitter. Criteria: Invitae Variant Classification Sherloc (09022015). Collection method: clinical testing. Allele origin: germline.

CeGaT Center for Human Genetics Tuebingen
Classification: Likely benign. Last evaluated: 2022-03-01. Review status: criteria provided, single submitter. Criteria: CeGaT Center For Human Genetics Tuebingen Variant Classification Criteria Version 2. Collection method: clinical testing. Allele origin: germline. Affected: yes. Observed: 1 variant allele.
Comment: SLC38A8: BP4, BP7